The following is an entry in ClinVar:

ClinVar aggregate classification (germline): Uncertain significance. Review status: criteria provided, multiple submitters, no conflicts (2 of 4 stars). 2 submissions from 2 submitters: Uncertain significance (2). Last evaluated 2026-01-26.

gnomAD v4.1: 16 of 1,614,074 alleles (0.00099%); highest among the groups gnomAD compares: Admixed American, 0.02%; no homozygotes.

Submissions (2):

Labcorp Genetics (formerly Invitae), Labcorp
Classification: Uncertain significance. Last evaluated: 2026-01-26. Review status: criteria provided, single submitter. Criteria: Invitae Variant Classification Sherloc (09022015). Collection method: clinical testing. Allele origin: germline.
Comment: This sequence change replaces isoleucine, which is neutral and non-polar, with valine, which is neutral and non-polar, at codon 30 of the TUBB1 protein (p.Ile30Val). This variant is present in population databases (rs575300072, gnomAD 0.009%). This variant has not been reported in the literature in individuals affected with TUBB1-related conditions. ClinVar contains an entry for this variant (Variation ID: 3380664). Invitae Evidence Modeling of protein sequence and biophysical properties (such as structural, functional, and spatial information, amino acid conservation, physicochemical variation, residue mobility, and thermodynamic stability) indicates that this missense variant is not expected to disrupt TUBB1 protein function with a negative predictive value of 80%. In summary, the available evidence is currently insufficient to determine the role of this variant in disease. Therefore, it has been classified as a Variant of Uncertain Significance.

Mayo Clinic Laboratories, Mayo Clinic
Classification: Uncertain significance. Last evaluated: 2024-05-16. Review status: criteria provided, single submitter. Criteria: ACMG Guidelines, 2015. Collection method: clinical testing. Allele origin: germline. Observed: 1 variant allele.
Comment: PM1_supporting

NM_030773.4(TUBB1):c.88A>G (p.Ile30Val)

Gene: TUBB1 (tubulin beta 1 class VI; plus strand). Cytogenetic location: 20q13.32.
Variant type: single nucleotide variant.
Coding change: c.88A>G on transcript NM_030773.4 (MANE Select); coding-DNA position 88, A replaced by G.
Protein change: p.Ile30Val; replaces isoleucine 30 with valine.
Molecular consequence: missense variant.
Genome position (GRCh38, 1-based): chr20:59,022,875, A>G. VCF-style: chr20-59022875-A-G. GRCh37 (hg19) VCF-style: chr20-57597930-A-G.
Other names: p.Ile30Val; short protein forms I30V.
Identifiers: ClinVar variation 3380664 (VCV003380664.2).